The following is an entry in ClinVar:

NM_001130144.3(LTBP3):c.440C>T (p.Ala147Val)

Gene: LTBP3 (latent transforming growth factor beta binding protein 3; minus strand). Cytogenetic location: 11q13.1.
Variant type: single nucleotide variant.
Coding change: c.440C>T on transcript NM_001130144.3 (MANE Select); coding-DNA position 440, C replaced by T.
Protein change: p.Ala147Val; replaces alanine 147 with valine.
Molecular consequence: missense variant.
Genome position (GRCh38, 1-based): chr11:65,554,272, G>A on the plus strand (C>T on the coding strand, the complement: LTBP3 is on the minus strand). VCF-style: chr11-65554272-G-A. GRCh37 (hg19) VCF-style: chr11-65321743-G-A.
Other names: c.440C>T (NM_001130144.2); c.89C>T, p.Ala30Val (NM_001164266.1); c.440C>T, p.Ala147Val (NM_021070.4); short protein forms A30V, A147V.
Identifiers: ClinVar variation 1420966 (VCV001420966.7), dbSNP rs370789621, ClinGen allele CA6101238.
Genomic context (GRCh38, chr11:65,554,272, plus strand): 5'-CCTGTGGACAGGGCCCCTGTCCTGCTCAGGCCGGGGCCTGAGCCGCCGGTACCCCCACCG[G>A]CTCCTCCTGCGGGCACCTGGCAGAAGCGCCCAGTGAAGTCCGGGGGACACAGGCACTGGT-3'
Protein context (NP_001123616.1, residues 137-157): GRFCQVPAGG[Ala147Val]GGGTGGSGPG

ClinVar aggregate classification (germline): Uncertain significance. Review status: criteria provided, multiple submitters, no conflicts (2 of 4 stars). 2 submissions from 2 submitters: Uncertain significance (2). Last evaluated 2025-11-08.

Conditions:
Inborn genetic diseases. Identifiers: MedGen C0950123, MeSH D030342.
Brachyolmia-amelogenesis imperfecta syndrome. Also called: PLATYSPONDYLY WITH AMELOGENESIS IMPERFECTA; Tooth agenesis, selective, 6; Dental anomalies and short stature. Identifiers: Orphanet 2899, MedGen C1832594, MONDO:0011018, OMIM 601216. Disease mechanism: loss of function.

Allele frequency attached by ClinVar (database versions not stated): gnomAD exomes 0.00002; ExAC 0.00004; ESP Exome Variant Server 0.00008; 1000 Genomes Project 0.00040; 1000 Genomes Project 30x 0.00047.
gnomAD v4.1: 19 of 1,610,702 alleles (0.0012%); highest among the groups gnomAD compares: South Asian, 0.0033%; no homozygotes.

Submissions (2):

Labcorp Genetics (formerly Invitae), Labcorp
Classification: Uncertain significance for Brachyolmia-amelogenesis imperfecta syndrome. Last evaluated: 2025-11-08. Review status: criteria provided, single submitter. Criteria: Invitae Variant Classification Sherloc (09022015). Collection method: clinical testing. Allele origin: germline.
Comment: This sequence change replaces alanine, which is neutral and non-polar, with valine, which is neutral and non-polar, at codon 147 of the LTBP3 protein (p.Ala147Val). This variant is present in population databases (rs370789621, gnomAD 0.007%). This variant has not been reported in the literature in individuals affected with LTBP3-related conditions. ClinVar contains an entry for this variant (Variation ID: 1420966). An algorithm developed to predict the effect of missense changes on protein structure and function (PolyPhen-2) suggests that this variant is likely to be tolerated. In summary, the available evidence is currently insufficient to determine the role of this variant in disease. Therefore, it has been classified as a Variant of Uncertain Significance.

Ambry Genetics
Classification: Uncertain significance for Inborn genetic diseases. Last evaluated: 2023-06-26. Review status: criteria provided, single submitter. Criteria: Ambry Variant Classification Scheme 2023. Collection method: clinical testing. Allele origin: germline.